The following is an entry in ClinVar:

NM_024665.7(TBL1XR1):c.616T>C (p.Ser206Pro)

Gene: TBL1XR1 (TBL1X/Y related 1; minus strand). Cytogenetic location: 3q26.32.
Variant type: single nucleotide variant.
Coding change: c.616T>C on transcript NM_024665.7 (MANE Select); coding-DNA position 616, T replaced by C.
Protein change: p.Ser206Pro; replaces serine 206 with proline.
Molecular consequence: missense variant.
Genome position (GRCh38, 1-based): chr3:177,050,083, A>G on the plus strand (T>C on the coding strand, the complement: TBL1XR1 is on the minus strand). VCF-style: chr3-177050083-A-G. GRCh37 (hg19) VCF-style: chr3-176767871-A-G.
Other names: c.616T>C, p.Ser206Pro (NM_001321193.3, NM_001321194.3, NM_001374327.1 and 2 more transcripts); c.355T>C, p.Ser119Pro (NM_001321195.3, NM_001374330.1); short protein forms S119P, S206P.
Identifiers: ClinVar variation 4811854 (VCV004811854.1).

ClinVar aggregate classification (germline): Uncertain significance (1 of 4 stars; one submission).

Conditions:
Pierpont syndrome (PRPTS). Identifiers: Orphanet 487825, MedGen C1865644, MONDO:0011213, OMIM 602342.

gnomAD v4.1: 1 of 1,613,766 alleles (0.000062%); highest among the groups gnomAD compares: Admixed American, 0.0017%; no homozygotes.

Submission:

Labcorp Genetics (formerly Invitae), Labcorp
Classification: Uncertain significance for Pierpont syndrome. Last evaluated: 2025-06-19. Review status: criteria provided, single submitter. Criteria: Invitae Variant Classification Sherloc (09022015). Collection method: clinical testing. Allele origin: germline.
Comment: This sequence change replaces serine, which is neutral and polar, with proline, which is neutral and non-polar, at codon 206 of the TBL1XR1 protein (p.Ser206Pro). This variant is present in population databases (no rsID available, gnomAD 0.003%). This variant has not been reported in the literature in individuals affected with TBL1XR1-related conditions. Invitae Evidence Modeling of protein sequence and biophysical properties (such as structural, functional, and spatial information, amino acid conservation, physicochemical variation, residue mobility, and thermodynamic stability) indicates that this missense variant is not expected to disrupt TBL1XR1 protein function with a negative predictive value of 95%. In summary, the available evidence is currently insufficient to determine the role of this variant in disease. Therefore, it has been classified as a Variant of Uncertain Significance.